The following is an entry in ClinVar:

ClinVar aggregate classification (germline): Pathogenic (1 of 4 stars; one submission).

Conditions:
Hereditary breast ovarian cancer syndrome. Also called: Hereditary breast and ovarian cancer syndrome (HBOC); Breast and ovarian cancer; Hereditary breast and ovarian cancer; Hereditary breast and ovarian cancer syndrome; BRCA1- and BRCA2-Associated Hereditary Breast and Ovarian Cancer; Hereditary breast and/or ovarian cancer syndrome. Identifiers: Orphanet 145, MedGen C0677776, MeSH D061325, MONDO:0003582. Disease mechanism: loss of function.

Submission:

Labcorp Genetics (formerly Invitae), Labcorp
Classification: Pathogenic for Hereditary breast ovarian cancer syndrome. Last evaluated: 2025-12-01. Review status: criteria provided, single submitter. Criteria: Invitae Variant Classification Sherloc (09022015). Collection method: clinical testing. Allele origin: germline.
Comment: This sequence change inserts a large fragment of DNA, likely a transposable element, in exon 10 of the BRCA1 gene (c.2172_2173ins?), causing a frameshift at codon 725 (p.Ser725fs). The exact size and sequence of the insertion cannot be determined by the current assay. However, the insertion is expected to result in an absent or disrupted protein product. This variant is not present in population databases (gnomAD no frequency). This variant has not been reported in the literature in individuals affected with BRCA1-related conditions. Retrotransposon insertions including LINE1 (L1), Alu, and SVA (SINE-VNTR-Alu) have been reported to be disease-causing through disruption of either a coding region or splice site (PMID: 19763152, 20307669, 22406018) and loss-of-function variants in BRCA1 are known to be pathogenic (PMID: 20104584). For these reasons, this variant has been classified as Pathogenic.

Literature cited by the submitters: PubMed 19763152; PubMed 20307669; PubMed 22406018; PubMed 20104584.

NM_007294.4(BRCA1):c.2172_2173insGCTCTCCCTCTCCCTCTCCCTCTCCCTCTCCCTCTCCCTCTCCCTCTCCCTCTCCCTCTCCGTCTCCGTCTCCGTCTCCGTCTCCCTCCACGGTCTCNNNNNNNNNNAAAAAAAAAAAAAAAAAAAAGAATTTGTCAATCCT (p.Ser725delinsAlaLeuProLeuProLeuProLeuProLeuProLeuProLeuProLeuProLeuProLeuArgLeuArgLeuArgLeuArgLeuProProArgSerXaaXaaXaaXaaLysLysLysLysLysLysArgIleCysGlnSerTer)

Gene: BRCA1 (BRCA1 DNA repair associated; minus strand). Cytogenetic location: 17q21.31.
Variant type: Insertion.
Coding change: c.2172_2173insGCTCTCCCTCTCCCTCTCCCTCTCCCTCTCCCTCTCCCTCTCCCTCTCCCTCTCCCTCTCCGTCTCCGTCTCCGTCTCCGTCTCCCTCCACGGTCTCNNNNNNNNNNAAAAAAAAAAAAAAAAAAAAGAATTTGTCAATCCT on transcript NM_007294.4 (MANE Select); coding-DNA positions 2172 to 2173, GCTCTCCCTCTCCCTCTCCCTCTCCCTCTCCCTCTCCCTCTCCCTCTCCCTCTCCCTCTCCGTCTCCGTCTCCGTCTCCGTCTCCCTCCACGGTCTCNNNNNNNNNNAAAAAAAAAAAAAAAAAAAAGAATTTGTCAATCCT inserted.
Protein change: p.Ser725delinsAlaLeuProLeuProLeuProLeuProLeuProLeuProLeuProLeuProLeuProLeuArgLeuArgLeuArgLeuArgLeuProProArgSerXaaXaaXaaXaaLysLysLysLysLysLysArgIleCysGlnSerTer.
Molecular consequence: nonsense. On other transcripts: intron variant (137).
Genome position: GRCh38: chr17:43,093,376-43,093,377. GRCh37 (hg19): chr17:41,245,393-41,245,394.
Other names: c.787+1385_787+1386insAAAGAATTTGTCAATCCTGCTCTCCCTCTCCCTCTCCCTCTCCCTCTCCCTCTCCCTCTCCCTCTCCCTCTCCCTCTCCGTCTCCGTCTCCGTCTCCGTCTCCCTCCACGGTCTCNNNNNNNNNNAAAAAAAAAAAAAAAAA (NM_001407980.1, NM_001407993.1, NM_001407976.1 and 17 more transcripts); c.652+1385_652+1386insAAAGAATTTGTCAATCCTGCTCTCCCTCTCCCTCTCCCTCTCCCTCTCCCTCTCCCTCTCCCTCTCCCTCTCCCTCTCCGTCTCCGTCTCCGTCTCCGTCTCCCTCCACGGTCTCNNNNNNNNNNAAAAAAAAAAAAAAAAA (NM_001408451.1); c.643+1385_643+1386insAAAGAATTTGTCAATCCTGCTCTCCCTCTCCCTCTCCCTCTCCCTCTCCCTCTCCCTCTCCCTCTCCCTCTCCCTCTCCGTCTCCGTCTCCGTCTCCGTCTCCCTCCACGGTCTCNNNNNNNNNNAAAAAAAAAAAAAAAAA (NM_001408464.1, NM_001408470.1, NM_001408468.1 and 3 more transcripts); c.523+1385_523+1386insAAAGAATTTGTCAATCCTGCTCTCCCTCTCCCTCTCCCTCTCCCTCTCCCTCTCCCTCTCCCTCTCCCTCTCCCTCTCCGTCTCCGTCTCCGTCTCCGTCTCCCTCCACGGTCTCNNNNNNNNNNAAAAAAAAAAAAAAAAA (NM_001408498.1, NM_001408501.1, NM_001408500.1 and 3 more transcripts); c.1959_1960insGCTCTCCCTCTCCCTCTCCCTCTCCCTCTCCCTCTCCCTCTCCCTCTCCCTCTCCCTCTCCGTCTCCGTCTCCGTCTCCGTCTCCCTCCACGGTCTCNNNNNNNNNNAAAAAAAAAAAAAAAAAAAAGAATTTGTCAATCCT, p.Ser654delinsAlaLeuProLeuProLeuProLeuProLeuProLeuProLeuProLeuProLeuProLeuArgLeuArgLeuArgLeuArgLeuProProArgSerXaaXaaXaaXaaLysLysLysLysLysLysArgIleCysGlnSerTer (NM_001407571.1, NM_001407853.1, NM_001407894.1 and 9 more transcripts); c.2172_2173insGCTCTCCCTCTCCCTCTCCCTCTCCCTCTCCCTCTCCCTCTCCCTCTCCCTCTCCCTCTCCGTCTCCGTCTCCGTCTCCGTCTCCCTCCACGGTCTCNNNNNNNNNNAAAAAAAAAAAAAAAAAAAAGAATTTGTCAATCCT, p.Ser725delinsAlaLeuProLeuProLeuProLeuProLeuProLeuProLeuProLeuProLeuProLeuArgLeuArgLeuArgLeuArgLeuProProArgSerXaaXaaXaaXaaLysLysLysLysLysLysArgIleCysGlnSerTer (NM_001407581.1, NM_001407582.1, NM_001407583.1 and 30 more transcripts); c.2169_2170insGCTCTCCCTCTCCCTCTCCCTCTCCCTCTCCCTCTCCCTCTCCCTCTCCCTCTCCCTCTCCGTCTCCGTCTCCGTCTCCGTCTCCCTCCACGGTCTCNNNNNNNNNNAAAAAAAAAAAAAAAAAAAAGAATTTGTCAATCCT, p.Ser724delinsAlaLeuProLeuProLeuProLeuProLeuProLeuProLeuProLeuProLeuProLeuArgLeuArgLeuArgLeuArgLeuProProArgSerXaaXaaXaaXaaLysLysLysLysLysLysArgIleCysGlnSerTer (NM_001407587.1, NM_001407590.1, NM_001407591.1 and 22 more transcripts); c.2163_2164insGCTCTCCCTCTCCCTCTCCCTCTCCCTCTCCCTCTCCCTCTCCCTCTCCCTCTCCCTCTCCGTCTCCGTCTCCGTCTCCGTCTCCCTCCACGGTCTCNNNNNNNNNNAAAAAAAAAAAAAAAAAAAAGAATTTGTCAATCCT, p.Ser722delinsAlaLeuProLeuProLeuProLeuProLeuProLeuProLeuProLeuProLeuProLeuArgLeuArgLeuArgLeuArgLeuProProArgSerXaaXaaXaaXaaLysLysLysLysLysLysArgIleCysGlnSerTer (NM_001407646.1, NM_001407647.1); and 41 more.
Identifiers: ClinVar variation 4698335 (VCV004698335.1).